The following is an entry in ClinVar:

ClinVar aggregate classification (germline): Uncertain significance (1 of 4 stars; one submission).

Submission:

Labcorp Genetics (formerly Invitae), Labcorp
Classification: Uncertain significance. Last evaluated: 2023-04-25. Review status: criteria provided, single submitter. Criteria: Invitae Variant Classification Sherloc (09022015). Collection method: clinical testing. Allele origin: germline.
Comment: In summary, the available evidence is currently insufficient to determine the role of this variant in disease. Therefore, it has been classified as a Variant of Uncertain Significance. Advanced modeling of protein sequence and biophysical properties (such as structural, functional, and spatial information, amino acid conservation, physicochemical variation, residue mobility, and thermodynamic stability) performed at Invitae indicates that this missense variant is not expected to disrupt NSD1 protein function. This variant has not been reported in the literature in individuals affected with NSD1-related conditions. This variant is not present in population databases (gnomAD no frequency). This sequence change replaces isoleucine, which is neutral and non-polar, with threonine, which is neutral and polar, at codon 538 of the NSD1 protein (p.Ile538Thr).

NM_022455.5(NSD1):c.1613T>C (p.Ile538Thr)

Gene: NSD1 (nuclear receptor binding SET domain protein 1; plus strand). Cytogenetic location: 5q35.3.
Variant type: single nucleotide variant.
Coding change: c.1613T>C on transcript NM_022455.5 (MANE Select); coding-DNA position 1613, T replaced by C.
Protein change: p.Ile538Thr; replaces isoleucine 538 with threonine.
Molecular consequence: missense variant.
Genome position (GRCh38, 1-based): chr5:177,210,012, T>C. VCF-style: chr5-177210012-T-C. GRCh37 (hg19) VCF-style: chr5-176637013-T-C.
Other names: c.1193T>C, p.Ile398Thr (NM_001409304.1); c.860T>C, p.Ile287Thr (NM_001409305.1); c.740T>C, p.Ile247Thr (NM_001409306.1, NM_001409307.1, NM_001409308.1 and 3 more transcripts); c.1613T>C, p.Ile538Thr (NM_001409301.1, NM_001409302.1, NM_001409303.1); short protein forms I538T, I287T, I247T, I398T.
Identifiers: ClinVar variation 3667654 (VCV003667654.2).